The following is an entry in ClinVar:

NM_005450.6(NOG):c.583T>C (p.Ser195Pro)

Gene: NOG (noggin; plus strand). Cytogenetic location: 17q22.
Variant type: single nucleotide variant.
Coding change: c.583T>C on transcript NM_005450.6 (MANE Select); coding-DNA position 583, T replaced by C.
Protein change: p.Ser195Pro; replaces serine 195 with proline.
Molecular consequence: missense variant.
Genome position (GRCh38, 1-based): chr17:56,594,806, T>C. VCF-style: chr17-56594806-T-C. GRCh37 (hg19) VCF-style: chr17-54672167-T-C.
Other names: short protein forms S195P.
Identifiers: ClinVar variation 2058189 (VCV002058189.4), dbSNP rs2545137885, ClinGen allele CA399966652.
Genomic context (GRCh38, chr17:56,594,806, plus strand): 5'-GTGGGCAGCTGCTTCAGTAAGCGCTCGTGCTCCGTGCCCGAGGGCATGGTGTGCAAGCCG[T>C]CCAAGTCCGTGCACCTCACGGTGCTGCGGTGGCGCTGTCAGCGGCGCGGGGGCCAGCGCT-3'
Protein context (NP_005441.1, residues 185-205): SVPEGMVCKP[Ser195Pro]KSVHLTVLRW

ClinVar aggregate classification (germline): Uncertain significance (1 of 4 stars; one submission).

Submission:

Labcorp Genetics (formerly Invitae), Labcorp
Classification: Uncertain significance. Last evaluated: 2022-03-14. Review status: criteria provided, single submitter. Criteria: Invitae Variant Classification Sherloc (09022015). Collection method: clinical testing. Allele origin: germline.
Comment: In summary, the available evidence is currently insufficient to determine the role of this variant in disease. Therefore, it has been classified as a Variant of Uncertain Significance. Algorithms developed to predict the effect of missense changes on protein structure and function (SIFT, PolyPhen-2, Align-GVGD) all suggest that this variant is likely to be tolerated. This variant has not been reported in the literature in individuals affected with NOG-related conditions. This sequence change replaces serine, which is neutral and polar, with proline, which is neutral and non-polar, at codon 195 of the NOG protein (p.Ser195Pro). This variant is not present in population databases (gnomAD no frequency).